The following is an entry in ClinVar:

NM_001271938.2(MEGF8):c.262G>A (p.Val88Met)

Gene: MEGF8 (multiple EGF like domains 8; plus strand). Cytogenetic location: 19q13.2.
Variant type: single nucleotide variant.
Coding change: c.262G>A on transcript NM_001271938.2 (MANE Select); coding-DNA position 262, G replaced by A.
Protein change: p.Val88Met; replaces valine 88 with methionine.
Molecular consequence: missense variant.
Genome position (GRCh38, 1-based): chr19:42,333,679, G>A. VCF-style: chr19-42333679-G-A. GRCh37 (hg19) VCF-style: chr19-42837831-G-A.
Other names: c.262G>A, p.Val88Met (NM_001410.3); short protein forms V88M.
Identifiers: ClinVar variation 945512 (VCV000945512.3), dbSNP rs372955721, ClinGen allele CA9474102.

ClinVar aggregate classification (germline): Uncertain significance. Review status: criteria provided, multiple submitters, no conflicts (2 of 4 stars). 3 submissions from 3 submitters: Uncertain significance (3). Last evaluated 2024-02-19.

Conditions:
MEGF8-related Carpenter syndrome. Also called: Carpenter syndrome 2. Identifiers: Orphanet 65759, MedGen C3554247, MONDO:0013998, OMIM 614976.

Allele frequency attached by ClinVar (database versions not stated): gnomAD exomes 0.00007; ExAC 0.00010; ESP Exome Variant Server 0.00016; gnomAD 0.00022 and 0.00024; TOPMed 0.00022.
gnomAD v4.1: 72 of 1,613,864 alleles (0.0045%); highest among the groups gnomAD compares: African/African-American, 0.06%; no homozygotes.

Submissions (3):

Greenwood Genetic Center Diagnostic Laboratories, Greenwood Genetic Center
Classification: Uncertain significance. Last evaluated: 2024-02-19. Review status: criteria provided, single submitter. Criteria: ACMG Guidelines, 2015. Collection method: clinical testing. Allele origin: germline. Affected: yes.
Comment: PM3_Supporting, PP2, PP3

Blueprint Genetics
Classification: Uncertain significance. Last evaluated: 2023-11-30. Review status: criteria provided, single submitter. Criteria: ACMG Guidelines, 2015. Collection method: clinical testing. Allele origin: germline.

Labcorp Genetics (formerly Invitae), Labcorp
Classification: Uncertain significance for Carpenter syndrome 2. Last evaluated: 2019-07-01. Review status: criteria provided, single submitter. Criteria: Invitae Variant Classification Sherloc (09022015). Collection method: clinical testing. Allele origin: germline.
Comment: This sequence change replaces valine with methionine at codon 88 of the MEGF8 protein (p.Val88Met). The valine residue is weakly conserved and there is a small physicochemical difference between valine and methionine. This variant is present in population databases (rs372955721, ExAC 0.08%). This variant has not been reported in the literature in individuals with MEGF8-related conditions. Algorithms developed to predict the effect of missense changes on protein structure and function are either unavailable or do not agree on the potential impact of this missense change (SIFT: "Deleterious"; PolyPhen-2: "Probably Damaging"; Align-GVGD: "Class C0"). In summary, the available evidence is currently insufficient to determine the role of this variant in disease. Therefore, it has been classified as a Variant of Uncertain Significance.